The following is an entry in ClinVar:

NM_017763.6(RNF43):c.2262C>A (p.Gly754=)

Gene: RNF43 (ring finger protein 43; minus strand). Cytogenetic location: 17q22.
Variant type: single nucleotide variant.
Coding change: c.2262C>A on transcript NM_017763.6 (MANE Select); coding-DNA position 2262, C replaced by A.
Protein change: p.Gly754=; no amino-acid change (glycine 754 retained).
Molecular consequence: synonymous variant.
Genome position (GRCh38, 1-based): chr17:58,357,514, G>T on the plus strand (C>A on the coding strand, the complement: RNF43 is on the minus strand). VCF-style: chr17-58357514-G-T. GRCh37 (hg19) VCF-style: chr17-56434875-G-T.
Other names: c.2262C>A, p.Gly754= (NM_001305544.3); c.1881C>A, p.Gly627= (NM_001305545.2).
Identifiers: ClinVar variation 3789862 (VCV003789862.2).

ClinVar aggregate classification (germline): Benign/Likely benign. Review status: criteria provided, multiple submitters, no conflicts (2 of 4 stars). 2 submissions from 2 submitters: Benign (1); Likely benign (1). Last evaluated 2026-07-02.

Conditions:
Sessile serrated polyposis cancer syndrome (SSPCS). Identifiers: Orphanet 157798, MedGen C4310714, MONDO:0014919, OMIM 617108.

Submissions (2):

Myriad Genetics, Inc.
Classification: Benign for Sessile serrated polyposis cancer syndrome. Last evaluated: 2026-07-02. Review status: criteria provided, single submitter. Criteria: Myriad Autosomal Dominant, Autosomal Recessive and X-Linked Classification Criteria (2023). Collection method: clinical testing. Allele origin: unknown.
Comment: This variant is considered benign. This variant is a silent/synonymous amino acid change and it is not expected to impact splicing.

Ambry Genetics
Classification: Likely benign. Last evaluated: 2024-12-21. Review status: criteria provided, single submitter. Criteria: Ambry Variant Classification Scheme 2023. Collection method: clinical testing. Allele origin: germline.